The following is an entry in ClinVar:

ClinVar aggregate classification (germline): Uncertain significance (1 of 4 stars; one submission).

Conditions:
Myasthenic syndrome, congenital, 22 (CMS22). Also called: PREPL DEFICIENCY. Identifiers: MedGen C4479088, MONDO:0044299, OMIM 616224.

Allele frequency attached by ClinVar (database versions not stated): gnomAD 0.00001; TOPMed 0.00001.

Submission:

Labcorp Genetics (formerly Invitae), Labcorp
Classification: Uncertain significance for Myasthenic syndrome, congenital, 22. Last evaluated: 2023-06-13. Review status: criteria provided, single submitter. Criteria: Invitae Variant Classification Sherloc (09022015). Collection method: clinical testing. Allele origin: germline.
Comment: This sequence change replaces histidine, which is basic and polar, with leucine, which is neutral and non-polar, at codon 633 of the PREPL protein (p.His633Leu). This variant is present in population databases (rs768704646, gnomAD 0.003%). This variant has not been reported in the literature in individuals affected with PREPL-related conditions. ClinVar contains an entry for this variant (Variation ID: 1019338). An algorithm developed to predict the effect of missense changes on protein structure and function (PolyPhen-2) suggests that this variant is likely to be tolerated. In summary, the available evidence is currently insufficient to determine the role of this variant in disease. Therefore, it has been classified as a Variant of Uncertain Significance.

NM_001171613.2(PREPL):c.1631A>T (p.His544Leu)

Gene: PREPL (prolyl endopeptidase like; minus strand). Cytogenetic location: 2p21.
Variant type: single nucleotide variant.
Coding change: c.1631A>T on transcript NM_001171613.2 (MANE Select); coding-DNA position 1631, A replaced by T.
Protein change: p.His544Leu; replaces histidine 544 with leucine.
Molecular consequence: missense variant.
Genome position (GRCh38, 1-based): chr2:44,322,853, T>A on the plus strand (A>T on the coding strand, the complement: PREPL is on the minus strand). VCF-style: chr2-44322853-T-A. GRCh37 (hg19) VCF-style: chr2-44549992-T-A.
Other names: c.1712A>T, p.His571Leu (NM_001042385.2); c.1700A>T, p.His567Leu (NM_001042386.2); c.1898A>T, p.His633Leu (NM_001171603.1, NM_001171606.2, NM_001374275.1 and 2 more transcripts); c.1631A>T, p.His544Leu (NM_001171617.1, NM_001374277.1); short protein forms H544L, H567L, H571L, H633L.
Identifiers: ClinVar variation 1019338 (VCV001019338.8), dbSNP rs768704646, ClinGen allele CA1641011.